The following is an entry in ClinVar:

ClinVar aggregate classification (germline): Uncertain significance (1 of 4 stars; one submission).

Conditions:
Catecholaminergic polymorphic ventricular tachycardia 1. Also called: VENTRICULAR TACHYCARDIA, STRESS-INDUCED POLYMORPHIC 1; VENTRICULAR TACHYCARDIA, CATECHOLAMINERGIC POLYMORPHIC, 1, WITH OR WITHOUT ATRIAL DYSFUNCTION AND/OR DILATED CARDIOMYOPATHY; RYR2-Related Catecholaminergic Polymorphic Ventricular Tachycardia. Identifiers: Orphanet 3286, MedGen C1631597, MONDO:0011484, OMIM 604772.

Submission:

Labcorp Genetics (formerly Invitae), Labcorp
Classification: Uncertain significance for Catecholaminergic polymorphic ventricular tachycardia 1. Last evaluated: 2024-06-26. Review status: criteria provided, single submitter. Criteria: Invitae Variant Classification Sherloc (09022015). Collection method: clinical testing. Allele origin: germline.
Comment: This variant results in the deletion of part of exon 75 (c.10718_10725+5del) of the RYR2 gene. It is expected to disrupt RNA splicing. Variants that disrupt the donor or acceptor splice site typically lead to a loss of protein function (PMID: 16199547), however the current clinical and genetic evidence is not sufficient to establish whether loss-of-function variants in RYR2 cause disease. This variant is not present in population databases (gnomAD no frequency). This variant has not been reported in the literature in individuals affected with RYR2-related conditions. In summary, the available evidence is currently insufficient to determine the role of this variant in disease. Therefore, it has been classified as a Variant of Uncertain Significance.

Literature cited by the submitters: PubMed 16199547.

NM_001035.3(RYR2):c.10718_10725+5del

Gene: RYR2 (ryanodine receptor 2; plus strand). Cytogenetic location: 1q43.
Variant type: Deletion.
Coding change: c.10718_10725+5del on transcript NM_001035.3 (MANE Select); coding-DNA position 10718 through 5 bases into the intron after coding-DNA position 10725, 13 bases deleted (ACTGTCTGGGAAG).
Molecular consequence: splice donor variant.
Genome position (GRCh38, 1-based): chr1:237,726,301-237,726,313, ACTGTCTGGGAAG deleted. VCF-style (leftmost placement, unchanged base first): chr1-237726300-TACTGTCTGGGAAG-T. GRCh37 (hg19) VCF-style: chr1-237889600-TACTGTCTGGGAAG-T.
Identifiers: ClinVar variation 3707260 (VCV003707260.2).